The following is an entry in ClinVar:

ClinVar aggregate classification (germline): Uncertain significance (1 of 4 stars; one submission).

Submission:

GeneDx
Classification: Uncertain significance. Last evaluated: 2024-04-19. Review status: criteria provided, single submitter. Criteria: GeneDx Variant Classification Process June 2021. Collection method: clinical testing. Allele origin: germline. Affected: yes.
Comment: Not observed at significant frequency in large population cohorts (gnomAD); In silico analysis indicates that this missense variant does not alter protein structure/function; Has not been previously published as pathogenic or benign to our knowledge

NM_007317.3(KIF22):c.1924G>C (p.Gly642Arg)

Gene: KIF22 (kinesin family member 22; plus strand). Cytogenetic location: 16p11.2.
Variant type: single nucleotide variant.
Coding change: c.1924G>C on transcript NM_007317.3 (MANE Select); coding-DNA position 1924, G replaced by C.
Protein change: p.Gly642Arg; replaces glycine 642 with arginine.
Molecular consequence: missense variant.
Genome position (GRCh38, 1-based): chr16:29,805,148, G>C. VCF-style: chr16-29805148-G-C. GRCh37 (hg19) VCF-style: chr16-29816469-G-C.
Other names: c.1720G>C, p.Gly574Arg (NM_001256269.2, NM_001256270.1); short protein forms G574R, G642R.
Identifiers: ClinVar variation 3372622 (VCV003372622.1).